The following is an entry in ClinVar:

ClinVar aggregate classification (germline): Conflicting classifications of pathogenicity. Review status: criteria provided, conflicting classifications (1 of 4 stars). 3 submissions from 3 submitters: Uncertain significance (2); Likely benign (1). Last evaluated 2025-07-05.

Conditions:
KIF5A-related disorder. Also called: KIF5A-related condition; KIF5A-related disorders.
Spastic paraplegia. Identifiers: MedGen C0037772, HP:0001258.

Allele frequency attached by ClinVar (database versions not stated): gnomAD exomes below 0.00001; TOPMed below 0.00001; ExAC 0.00001.
gnomAD v4.1: 4 of 1,613,728 alleles (0.00025%); highest among the groups gnomAD compares: South Asian, 0.0022%; no homozygotes.

Submissions (3):

PreventionGenetics, part of Exact Sciences
Classification: Uncertain significance for KIF5A-related condition. Last evaluated: 2025-07-05. Review status: criteria provided, single submitter. Criteria: ACMG Guidelines, 2015. Collection method: clinical testing. Allele origin: germline.
Comment: The KIF5A c.1153G>A variant is predicted to result in the amino acid substitution p.Glu385Lys. To our knowledge, this variant has not been reported in the literature. This variant is reported in 0.0029% of alleles in individuals of Latino descent in gnomAD. At this time, the clinical significance of this variant is uncertain due to the absence of conclusive functional and genetic evidence.

Labcorp Genetics (formerly Invitae), Labcorp
Classification: Likely benign for Spastic paraplegia. Last evaluated: 2024-10-24. Review status: criteria provided, single submitter. Criteria: Invitae Variant Classification Sherloc (09022015). Collection method: clinical testing. Allele origin: germline.

GeneDx
Classification: Uncertain significance. Last evaluated: 2020-01-14. Review status: criteria provided, single submitter. Criteria: GeneDx Variant Classification Process June 2021. Collection method: clinical testing. Allele origin: germline. Affected: yes.
Comment: Not observed at a significant frequency in large population cohorts (Lek et al., 2016); In silico analysis, which includes protein predictors and evolutionary conservation, supports that this variant does not alter protein structure/function; Has not been previously published as pathogenic or benign to our knowledge

NM_004984.4(KIF5A):c.1153G>A (p.Glu385Lys)

Gene: KIF5A (kinesin family member 5A; plus strand). Cytogenetic location: 12q13.3.
Variant type: single nucleotide variant.
Coding change: c.1153G>A on transcript NM_004984.4 (MANE Select); coding-DNA position 1153, G replaced by A.
Protein change: p.Glu385Lys; replaces glutamic acid 385 with lysine.
Molecular consequence: missense variant.
Genome position (GRCh38, 1-based): chr12:57,570,022, G>A. VCF-style: chr12-57570022-G-A. GRCh37 (hg19) VCF-style: chr12-57963805-G-A.
Other names: c.886G>A, p.Glu296Lys (NM_001354705.2); short protein forms E296K, E385K.
Identifiers: ClinVar variation 1311826 (VCV001311826.8), dbSNP rs753854351, ClinGen allele CA6652776.
Genomic context (GRCh38, chr12:57,570,022, plus strand): 5'-CTCACCTCGTCTTGCCCCTTTGCAGGAGAGAATGTGCCTGAGACAGAGCGCCTGGCTGGG[G>A]AGGAGGCAGCCCTGGGAGCCGAGCTCTGTGAGGAGACCCCTGTGAATGACAACTCATCCA-3'
Protein context (NP_004975.2, residues 375-395): NVPETERLAG[Glu385Lys]EAALGAELCE